The following is an entry in ClinVar:

ClinVar aggregate classification (germline): Pathogenic (1 of 4 stars; one submission).

Conditions:
Duchenne muscular dystrophy (DMD). Also called: MUSCULAR DYSTROPHY, PSEUDOHYPERTROPHIC PROGRESSIVE, DUCHENNE TYPE; Duchenne Muscular Dystrophy (DMD). Identifiers: Orphanet 98896, MedGen C0013264, MONDO:0010679, OMIM 310200.

Submission:

Labcorp Genetics (formerly Invitae), Labcorp
Classification: Pathogenic for Duchenne muscular dystrophy. Last evaluated: 2023-03-30. Review status: criteria provided, single submitter. Criteria: Invitae Variant Classification Sherloc (09022015). Collection method: clinical testing. Allele origin: unknown.
Comment: For these reasons, this variant has been classified as Pathogenic. This variant disrupts a region of the DMD protein in which other variant(s) (exon 49 deletion) have been determined to be pathogenic (PMID: 26081009, 27854212, 28610567). This suggests that this is a clinically significant region of the protein, and that variants that disrupt it are likely to be disease-causing. This variant has not been reported in the literature in individuals affected with DMD-related conditions. This variant results in the deletion of part of exon 46 and exons 47-51 (c.6703_7543-540del) of the DMD gene. It is expected to disrupt RNA splicing. Variants that disrupt the donor or acceptor splice site typically lead to a loss of protein function (PMID: 16199547), and loss-of-function variants in DMD are known to be pathogenic (PMID: 16770791, 25007885).

Literature cited by the submitters: PubMed 26081009; PubMed 27854212; PubMed 28610567; PubMed 16199547; PubMed 16770791; PubMed 25007885.

NC_000023.10:g.(?_31748405)_(31950256_?)del

Gene: DMD (dystrophin; minus strand). Cytogenetic location: Xp21.1.
Variant type: Deletion.
Identifiers: ClinVar variation 3243605 (VCV003243605.1).